The following is an entry in ClinVar:

NM_025132.4(WDR19):c.3824C>T (p.Pro1275Leu)

Gene: WDR19 (WD repeat domain 19; plus strand). Cytogenetic location: 4p14.
Variant type: single nucleotide variant.
Coding change: c.3824C>T on transcript NM_025132.4 (MANE Select); coding-DNA position 3824, C replaced by T.
Protein change: p.Pro1275Leu; replaces proline 1275 with leucine.
Molecular consequence: missense variant.
Genome position (GRCh38, 1-based): chr4:39,277,127, C>T. VCF-style: chr4-39277127-C-T. GRCh37 (hg19) VCF-style: chr4-39278747-C-T.
Other names: c.3344C>T, p.Pro1115Leu (NM_001317924.2); short protein forms P1115L, P1275L.
Identifiers: ClinVar variation 3899098 (VCV003899098.1).
Genomic context (GRCh38, chr4:39,277,127, plus strand): 5'-TCTGCAAATTTCTTCTCCCAGAGTGTGAACTCCTCTGTCCTGGATGTAAAAACAGTATCC[C>T]ATATTGCATTGCAACAGTGAGTTCCTTTATAGTAATTTCCCTTTCTTTGCATATATATTT-3'
Protein context (NP_079408.3, residues 1265-1285): LLCPGCKNSI[Pro1275Leu]YCIATGRHML

ClinVar aggregate classification (germline): Uncertain significance (1 of 4 stars; one submission).

Submission:

GeneDx
Classification: Uncertain significance. Last evaluated: 2024-11-07. Review status: criteria provided, single submitter. Criteria: GeneDx Variant Classification Process June 2021. Collection method: clinical testing. Allele origin: germline. Affected: yes.
Comment: Not observed at significant frequency in large population cohorts (gnomAD); In silico analysis supports that this missense variant has a deleterious effect on protein structure/function; Has not been previously published as pathogenic or benign to our knowledge; In silico analysis suggests this variant may impact gene splicing. In the absence of RNA/functional studies, the actual effect of this sequence change is unknown.